The following is an entry in ClinVar:

ClinVar aggregate classification (germline): Likely benign. Review status: criteria provided, multiple submitters, no conflicts (2 of 4 stars). 3 submissions from 3 submitters: Likely benign (2). 1 of the submissions does not count toward it. Last evaluated 2025-08-01.

Conditions:
POLQ-related disorder. Also called: POLQ-related condition.

Allele frequency attached by ClinVar (database versions not stated): 1000 Genomes Project 0.00080; 1000 Genomes Project 30x 0.00094; TOPMed 0.00180; gnomAD 0.00218; ESP Exome Variant Server 0.00223; gnomAD exomes 0.00239; ExAC 0.00244.
gnomAD v4.1: 3,785 of 1,612,378 alleles (0.23%); highest among the groups gnomAD compares: Non-Finnish European, 0.29%; 13 homozygotes.

Submissions (3):

CeGaT Center for Human Genetics Tuebingen
Classification: Likely benign. Last evaluated: 2025-08-01. Review status: criteria provided, single submitter. Criteria: CeGaT Center For Human Genetics Tuebingen Variant Classification Criteria Version 2. Collection method: clinical testing. Allele origin: germline. Affected: yes. Observed: 5 variant alleles.
Comment: POLQ: BS2

Department of Pathology and Laboratory Medicine, Sinai Health System
Classification: Likely benign for POLQ-related disorder. Last evaluated: 2021-07-30. Review status: criteria provided, single submitter. Criteria: ACMG Guidelines, 2015. Collection method: research. Allele origin: germline.

PreventionGenetics, part of Exact Sciences
Classification: Likely benign for POLQ-related condition. Last evaluated: 2019-10-07. Review status: no assertion criteria provided. Collection method: clinical testing. Allele origin: germline. Not counted in ClinVar's aggregate classification.
Comment: This variant is classified as likely benign based on ACMG/AMP sequence variant interpretation guidelines (Richards et al. 2015 PMID: 25741868, with internal and published modifications).

NM_199420.4(POLQ):c.1981T>G (p.Trp661Gly)

Gene: POLQ (DNA polymerase theta; minus strand). Cytogenetic location: 3q13.33.
Variant type: single nucleotide variant.
Coding change: c.1981T>G on transcript NM_199420.4 (MANE Select); coding-DNA position 1981, T replaced by G.
Protein change: p.Trp661Gly; replaces tryptophan 661 with glycine.
Molecular consequence: missense variant.
Genome position (GRCh38, 1-based): chr3:121,498,649, A>C on the plus strand (T>G on the coding strand, the complement: POLQ is on the minus strand). VCF-style: chr3-121498649-A-C. GRCh37 (hg19) VCF-style: chr3-121217496-A-C.
Other names: c.1981T>G (NM_199420.3); short protein forms W661G.
Identifiers: ClinVar variation 2654064 (VCV002654064.26), dbSNP rs142537679, ClinGen allele CA2563395.